The following is an entry in ClinVar:

NC_000023.10:g.(?_32509384)_(32717420_?)del

Gene: DMD (dystrophin; minus strand). Cytogenetic location: Xp21.1.
Variant type: Deletion.
Identifiers: ClinVar variation 1458295 (VCV001458295.5).

ClinVar aggregate classification (germline): Pathogenic (1 of 4 stars; one submission).

Conditions:
Duchenne muscular dystrophy (DMD). Also called: Duchenne Muscular Dystrophy (DMD); MUSCULAR DYSTROPHY, PSEUDOHYPERTROPHIC PROGRESSIVE, DUCHENNE TYPE. Identifiers: Orphanet 98896, MedGen C0013264, MONDO:0010679, OMIM 310200.

Submission:

Labcorp Genetics (formerly Invitae), Labcorp
Classification: Pathogenic for Duchenne muscular dystrophy. Last evaluated: 2022-06-20. Review status: criteria provided, single submitter. Criteria: Invitae Variant Classification Sherloc (09022015). Collection method: clinical testing. Allele origin: germline.
Comment: This variant is a gross deletion of the genomic region encompassing exon(s) 8-20 of the DMD gene. This deletion is out-of-frame, and is expected to create a premature termination codon and result in an absent or disrupted protein product. Loss-of-function variants in DMD are known to be pathogenic (PMID: 16770791, 25007885). A similar copy number variant has been observed in individuals with Duchenne muscular dystrophy (PMID: 17854090, 31081998, 31705731). For these reasons, this variant has been classified as Pathogenic.

Literature cited by the submitters: PubMed 16770791; PubMed 25007885; PubMed 17854090; PubMed 31081998; PubMed 31705731.